The following is an entry in ClinVar:

ClinVar aggregate classification (germline): Uncertain significance. Review status: criteria provided, multiple submitters, no conflicts (2 of 4 stars). 3 submissions from 3 submitters: Uncertain significance (3). Last evaluated 2024-10-29.

Allele frequency attached by ClinVar (database versions not stated): ExAC 0.00003; ESP Exome Variant Server 0.00008.
gnomAD v4.1: 30 of 1,614,090 alleles (0.0019%); highest among the groups gnomAD compares: Admixed American, 0.0033%; no homozygotes.

Submissions (3):

Labcorp Genetics (formerly Invitae), Labcorp
Classification: Uncertain significance. Last evaluated: 2024-10-29. Review status: criteria provided, single submitter. Criteria: Invitae Variant Classification Sherloc (09022015). Collection method: clinical testing. Allele origin: germline.
Comment: This sequence change replaces glutamine, which is neutral and polar, with lysine, which is basic and polar, at codon 257 of the PDZD7 protein (p.Gln257Lys). This variant is present in population databases (rs201285908, gnomAD 0.004%). This variant has not been reported in the literature in individuals affected with PDZD7-related conditions. ClinVar contains an entry for this variant (Variation ID: 1702773). An algorithm developed to predict the effect of missense changes on protein structure and function outputs the following: PolyPhen-2: "Not Available". The lysine amino acid residue is found in multiple mammalian species, which suggests that this missense change does not adversely affect protein function. In summary, the available evidence is currently insufficient to determine the role of this variant in disease. Therefore, it has been classified as a Variant of Uncertain Significance.

Blueprint Genetics
Classification: Uncertain significance. Last evaluated: 2024-10-11. Review status: criteria provided, single submitter. Criteria: ACMG Guidelines, 2015. Collection method: clinical testing. Allele origin: germline.

GeneDx
Classification: Uncertain significance. Last evaluated: 2022-02-17. Review status: criteria provided, single submitter. Criteria: GeneDx Variant Classification Process June 2021. Collection method: clinical testing. Allele origin: germline. Affected: yes.
Comment: Not observed at significant frequency in large population cohorts (gnomAD); In silico analysis supports that this missense variant has a deleterious effect on protein structure/function; Has not been previously published as pathogenic or benign to our knowledge

NM_001195263.2(PDZD7):c.769C>A (p.Gln257Lys)

Gene: PDZD7 (PDZ domain containing 7; minus strand). Cytogenetic location: 10q24.31.
Variant type: single nucleotide variant.
Coding change: c.769C>A on transcript NM_001195263.2 (MANE Select); coding-DNA position 769, C replaced by A.
Protein change: p.Gln257Lys; replaces glutamine 257 with lysine.
Molecular consequence: missense variant.
Genome position (GRCh38, 1-based): chr10:101,021,896, G>T on the plus strand (C>A on the coding strand, the complement: PDZD7 is on the minus strand). VCF-style: chr10-101021896-G-T. GRCh37 (hg19) VCF-style: chr10-102781653-G-T.
Other names: c.769C>A, p.Gln257Lys (NM_001351044.2, NM_024895.5); short protein forms Q257K.
Identifiers: ClinVar variation 1702773 (VCV001702773.8), dbSNP rs201285908, ClinGen allele CA5654256.
Genomic context (GRCh38, chr10:101,021,896, plus strand): 5'-CCTCCACGGCCTGGCTGTGGCTGATGTCGTCAAACCTGACACCGTTGGCTGCCAGGACCT[G>T]GTCCCCCACCTTGATGCCATTCTCCTCGGCCAGCCCACCATGGTCCACTCTGAGGCCAGA-3'
Protein context (NP_001182192.1, residues 247-267): AEENGIKVGD[Gln257Lys]VLAANGVRFD